The following is an entry in ClinVar:

ClinVar aggregate classification (germline): Uncertain significance (1 of 4 stars; one submission).

Submission:

Institute for Clinical Genetics, University Hospital TU Dresden, University Hospital TU Dresden
Classification: Uncertain significance. Last evaluated: 2022-08-25. Review status: criteria provided, single submitter. Criteria: ACMG Guidelines, 2015. Collection method: clinical testing. Allele origin: germline.
Comment: PM2_SUP, PP2

NM_015335.5(MED13L):c.199A>G (p.Asn67Asp)

Gene: MED13L (mediator complex subunit 13L; minus strand). Cytogenetic location: 12q24.21.
Variant type: single nucleotide variant.
Coding change: c.199A>G on transcript NM_015335.5 (MANE Select); coding-DNA position 199, A replaced by G.
Protein change: p.Asn67Asp; replaces asparagine 67 with aspartic acid.
Molecular consequence: missense variant.
Genome position (GRCh38, 1-based): chr12:116,237,579, T>C on the plus strand (A>G on the coding strand, the complement: MED13L is on the minus strand). VCF-style: chr12-116237579-T-C. GRCh37 (hg19) VCF-style: chr12-116675384-T-C.
Other names: short protein forms N67D.
Identifiers: ClinVar variation 2576016 (VCV002576016.1), dbSNP rs2500016983, ClinGen allele CA386927449.